The following is an entry in ClinVar:

NM_033380.3(COL4A5):c.3853G>A (p.Gly1285Ser)

Gene: COL4A5 (collagen type IV alpha 5 chain; plus strand). Cytogenetic location: Xq22.3.
Variant type: single nucleotide variant.
Coding change: c.3853G>A on transcript NM_033380.3 (MANE Select); coding-DNA position 3853, G replaced by A.
Protein change: p.Gly1285Ser; replaces glycine 1285 with serine.
Molecular consequence: missense variant.
Genome position (GRCh38, 1-based): chrX:108,677,544, G>A. VCF-style: chrX-108677544-G-A. GRCh37 (hg19) VCF-style: chrX-107920774-G-A.
Other names: c.3835G>A, p.Gly1279Ser (NM_000495.5); c.3853G>A (NM_033380.2); short protein forms G1279S, G1285S.
Identifiers: ClinVar variation 2903396 (VCV002903396.7), dbSNP rs764755602, ClinGen allele CA10489236.

ClinVar aggregate classification (germline): Conflicting classifications of pathogenicity. Review status: criteria provided, conflicting classifications (1 of 4 stars). 3 submissions from 3 submitters: Likely pathogenic (2); Uncertain significance (1). Last evaluated 2026-02-24.

Conditions:
X-linked Alport syndrome (ATS1). Also called: NEPHROPATHY AND DEAFNESS, X-LINKED; COL4A5-Related Nephropathy. Identifiers: Orphanet 63, Orphanet 88917, MedGen C4746986, MONDO:0010520, OMIM 301050.

Allele frequency attached by ClinVar (database versions not stated): gnomAD exomes below 0.00001; TOPMed below 0.00001; ExAC 0.00001.
gnomAD v4.1: 1 of 1,209,824 alleles (0.000083%); highest among the groups gnomAD compares: Admixed American, 0.0022%; no homozygotes.

Submissions (3):

Women's Health and Genetics/Laboratory Corporation of America, LabCorp
Classification: Likely pathogenic for X-linked Alport syndrome. Last evaluated: 2026-02-24. Review status: criteria provided, single submitter. Criteria: LabCorp Variant Classification Summary - May 2015. Collection method: clinical testing. Allele origin: germline.
Comment: Variant summary: COL4A5 c.3835G>A (p.Gly1279Ser) results in a non-conservative amino acid change within the triple-helical region (UniProt) of the encoded protein sequence. This missense variant disrupts a critical glycine residue at position 1 of a Gly-X-Y repeat in the collagenous domain of the collagen IV alpha 5 chain, and variants affecting these glycine residues are significantly enriched in individuals with Alport syndrome (PMID: 33854215). Algorithms developed to predict the effect of missense changes on protein structure and function all suggest that this variant is likely to be disruptive. The variant allele was found at a frequency of 5.5e-06 in 183121 control chromosomes. The available data on variant occurrences in the general population are insufficient to allow any conclusion about variant significance. To our knowledge, no occurrence of c.3835G>A in individuals affected with COL4A5-related conditions and no experimental evidence demonstrating its impact on protein function have been reported. ClinVar contains an entry for this variant (Variation ID: 2903396). Based on the evidence outlined above, the variant was classified as likely pathogenic.

Victorian Clinical Genetics Services, Murdoch Childrens Research Institute
Classification: Uncertain significance for X-linked Alport syndrome. Last evaluated: 2024-10-09. Review status: criteria provided, single submitter. Criteria: ACMG Guidelines, 2015. Collection method: clinical testing. Allele origin: germline. Inheritance: X-linked dominant inheritance.
Comment: Based on the classification scheme VCGS_Germline_v1.3.4, this variant is classified as VUS-3B. Following criteria are met: 0103 - Dominant negative and loss of function are known mechanisms of disease in this gene and are associated with X-linked Alport syndrome 1 (MIM#301050). Dominant negative is caused mostly by glycine substitutions that affect the conformation of the protein, and loss of function can be caused by either protein truncating or missense variants (PMID: 24046192, 12028435). (I) 0110 - This gene is associated with X-linked dominant disease. Males are typically more severely affected than females (PMID: 19965530). (I) 0115 - Variants in this gene are known to have variable expressivity. There is intrafamilial variability among affected carrier females, possibly due to variable X-inactivation (PMID: 14514738). (I) 0200 - Variant is predicted to result in a missense amino acid change from glycine to serine. (I) 0251 - This variant is heterozygous. (I) 0302 - Variant is present in gnomAD (v2) <0.001 for a dominant condition (1 heterozygote, 0 homozygotes). (SP) 0504 - Same amino acid change has been observed in placental mammals. (SB) 0601 - Variant is located in the well-established functional Gly-X-Y motif in the collagen triple helical domain (DECIPHER). (SP) 0705 - No comparable missense variants have previous evidence for pathogenicity. (I) 0803 - This variant has limited previous evidence of pathogenicity in unrelated individuals. This variant has been reported once in ClinVar as likely pathogenic and in an affected individual with Alport syndrome (PMID: 34400539). (SP) 0905 - No published segregation evidence has been identified for this variant. (I) 1007 - No published functional evidence has been identified for this variant. (I) Legend: (SP) - Supporting pathogenic, (I) - Information, (SB) - Supporting benign

Labcorp Genetics (formerly Invitae), Labcorp
Classification: Likely pathogenic. Last evaluated: 2023-09-26. Review status: criteria provided, single submitter. Criteria: Invitae Variant Classification Sherloc (09022015). Collection method: clinical testing. Allele origin: germline.
Comment: This sequence change replaces glycine, which is neutral and non-polar, with serine, which is neutral and polar, at codon 1279 of the COL4A5 protein (p.Gly1279Ser). This variant is present in population databases (rs764755602, gnomAD 0.004%). In summary, the currently available evidence indicates that the variant is pathogenic, but additional data are needed to prove that conclusively. Therefore, this variant has been classified as Likely Pathogenic. This variant disrupts the triple helix domain of COL4A5. Glycine residues within the Gly-Xaa-Yaa repeats of the triple helix domain are required for the structure and stability of fibrillar collagens (PMID: 7695699, 8218237, 19344236). In COL4A5, missense variants at these glycine residues are significantly enriched in individuals with disease (PMID: 23720012, 27627812) compared to the general population (ExAC). Algorithms developed to predict the effect of missense changes on protein structure and function output the following: SIFT: "Not Available"; PolyPhen-2: "Benign"; Align-GVGD: "Not Available". The serine amino acid residue is found in multiple mammalian species, which suggests that this missense change does not adversely affect protein function. This variant has not been reported in the literature in individuals affected with COL4A5-related conditions.

Literature cited by the submitters: PubMed 12028435 (cited by Victorian Clinical Genetics Services, Murdoch Childrens Research Institute); PubMed 14514738 (cited by Victorian Clinical Genetics Services, Murdoch Childrens Research Institute); PubMed 19965530 (cited by Victorian Clinical Genetics Services, Murdoch Childrens Research Institute); PubMed 24046192 (cited by Victorian Clinical Genetics Services, Murdoch Childrens Research Institute); PubMed 34400539 (cited by Victorian Clinical Genetics Services, Murdoch Childrens Research Institute); PubMed 7695699 (cited by Labcorp Genetics (formerly Invitae), Labcorp); PubMed 8218237 (cited by Labcorp Genetics (formerly Invitae), Labcorp); PubMed 19344236 (cited by Labcorp Genetics (formerly Invitae), Labcorp); PubMed 23720012 (cited by Labcorp Genetics (formerly Invitae), Labcorp); PubMed 27627812 (cited by Labcorp Genetics (formerly Invitae), Labcorp).